The following is an entry in ClinVar:

ClinVar aggregate classification (germline): Uncertain significance. Review status: criteria provided, multiple submitters, no conflicts (2 of 4 stars). 2 submissions from 2 submitters: Uncertain significance (2). Last evaluated 2025-01-28.

Submissions (2):

Ambry Genetics
Classification: Uncertain significance. Last evaluated: 2025-01-28. Review status: criteria provided, single submitter. Criteria: Ambry Variant Classification Scheme 2023. Collection method: clinical testing. Allele origin: germline.
Comment: The c.1485_1490delATTACT variant (also known as p.L496_L497del) is located in coding exon 8 of the ATRIP gene. This variant results from an in-frame ATTACT deletion at nucleotide positions 1485 to 1490. This results in the in-frame deletion of two amino acids at codons 496 to 497. This amino acid region is highly conserved in available vertebrate species. In addition, this alteration is predicted to be deleterious by in silico analysis (Choi Y et al. PLoS ONE. 2012; 7(10):e46688). The evidence for this gene-disease relationship is limited; therefore, the clinical significance of this alteration is unclear.

Labcorp Genetics (formerly Invitae), Labcorp
Classification: Uncertain significance. Last evaluated: 2023-05-22. Review status: criteria provided, single submitter. Criteria: Invitae Variant Classification Sherloc (09022015). Collection method: clinical testing. Allele origin: germline.
Comment: ClinVar contains an entry for this variant (Variation ID: 2182165). This variant has not been reported in the literature in individuals affected with ATRIP-related conditions. This variant is present in population databases (rs754998493, gnomAD 0.01%). This variant, c.1485_1490del, results in the deletion of 2 amino acid(s) of the ATRIP protein (p.Leu496_Leu497del), but otherwise preserves the integrity of the reading frame. Experimental studies and prediction algorithms are not available or were not evaluated, and the functional significance of this variant is currently unknown. In summary, the available evidence is currently insufficient to determine the role of this variant in disease. Therefore, it has been classified as a Variant of Uncertain Significance.

NM_130384.3(ATRIP):c.1485_1490del (p.Leu496_Leu497del)

Genes: ATRIP (ATR interacting protein; plus strand), ATRIP-TREX1 (ATRIP-TREX1 readthrough; plus strand). Cytogenetic location: 3p21.31.
Variant type: Deletion.
Coding change: c.1485_1490del on transcript NM_130384.3 (MANE Select); coding-DNA positions 1485 to 1490, 6 bases deleted (ATTACT; older notation c.1485_1490delATTACT).
Protein change: p.Leu496_Leu497del.
Molecular consequence: inframe deletion. On other transcripts: non-coding transcript variant (1).
Genome position (GRCh38, 1-based): chr3:48,460,539-48,460,544, ATTACT deleted; deleting any 6 consecutive bases within chr3:48,460,537-48,460,544 gives the same sequence; the c. name uses the placement nearest the transcript's 3' end. VCF-style (leftmost placement, unchanged base first): chr3-48460536-CCTATTA-C. GRCh37 (hg19) VCF-style: chr3-48501935-CCTATTA-C.
Other names: c.1104_1109del, p.Leu369_Leu370del (NM_001271022.2); c.1206_1211del, p.Leu403_Leu404del (NM_001271023.2); c.1485_1490del, p.Leu496_Leu497del (NM_032166.4); c.1485_1490delATTACT (NM_130384.1).
Identifiers: ClinVar variation 2182165 (VCV002182165.5), dbSNP rs754998493, ClinGen allele CA2376210.